The following is an entry in ClinVar:

ClinVar aggregate classification (germline): Uncertain significance. Review status: criteria provided, multiple submitters, no conflicts (2 of 4 stars). 4 submissions from 4 submitters: Uncertain significance (2). 2 of the submissions do not count toward it. Last evaluated 2026-02-23.

Conditions:
Joubert syndrome. Also called: JOUBERT-BOLTSHAUSER SYNDROME; Familial aplasia of the vermis. Identifiers: Orphanet 475, MedGen C5979921, MONDO:0018772.
RPGRIP1L-related disorder. Also called: RPGRIP1L-related disorders; RPGRIP1L-related condition. Identifiers: MedGen CN239416.
Meckel-Gruber syndrome. Also called: Dysencephalia splachnocystica; DYSENCEPHALIA SPLANCHNOCYSTICA; GRUBER SYNDROME. Identifiers: Orphanet 564, MedGen C0265215, MONDO:0018921.

Allele frequency attached by ClinVar (database versions not stated): gnomAD exomes 0.00001 and 0.00002; gnomAD 0.00002; TOPMed 0.00002; ExAC 0.00003.
gnomAD v4.1: 24 of 1,614,048 alleles (0.0015%); highest among the groups gnomAD compares: Non-Finnish European, 0.002%; no homozygotes.

Submissions (4):

GeneDx
Classification: Uncertain significance. Last evaluated: 2026-02-23. Review status: criteria provided, single submitter. Criteria: GeneDx Variant Classification Process June 2021. Collection method: clinical testing. Allele origin: germline.
Comment: Not observed at significant frequency in large population cohorts (gnomAD); In silico analysis suggests that this missense variant does not alter protein structure/function; Has not been previously published as pathogenic or benign to our knowledge

Labcorp Genetics (formerly Invitae), Labcorp
Classification: Uncertain significance for Joubert syndrome; Meckel-Gruber syndrome. Last evaluated: 2022-08-07. Review status: criteria provided, single submitter. Criteria: Invitae Variant Classification Sherloc (09022015). Collection method: clinical testing. Allele origin: germline.
Comment: This sequence change replaces leucine, which is neutral and non-polar, with proline, which is neutral and non-polar, at codon 651 of the RPGRIP1L protein (p.Leu651Pro). This variant is present in population databases (rs752598081, gnomAD 0.004%). This variant has not been reported in the literature in individuals affected with RPGRIP1L-related conditions. ClinVar contains an entry for this variant (Variation ID: 1053831). Algorithms developed to predict the effect of missense changes on protein structure and function (SIFT, PolyPhen-2, Align-GVGD) all suggest that this variant is likely to be tolerated. In summary, the available evidence is currently insufficient to determine the role of this variant in disease. Therefore, it has been classified as a Variant of Uncertain Significance.

PreventionGenetics, part of Exact Sciences
Classification: Uncertain significance for RPGRIP1L-related condition. Last evaluated: 2024-07-10. Review status: no assertion criteria provided. Collection method: clinical testing. Allele origin: germline. Not counted in ClinVar's aggregate classification.
Comment: The RPGRIP1L c.1952T>C variant is predicted to result in the amino acid substitution p.Leu651Pro. To our knowledge, this variant has not been reported in the literature. This variant is reported in 0.0044% of alleles in individuals of European (Non-Finnish) descent in gnomAD. At this time, the clinical significance of this variant is uncertain due to the absence of conclusive functional and genetic evidence.

Natera, Inc.
Classification: Uncertain significance for Joubert syndrome. Last evaluated: 2020-09-28. Review status: no assertion criteria provided. Collection method: clinical testing. Allele origin: germline. Not counted in ClinVar's aggregate classification.

NM_015272.5(RPGRIP1L):c.1952T>C (p.Leu651Pro)

Gene: RPGRIP1L (RPGRIP1 like; minus strand). Cytogenetic location: 16q12.2.
Variant type: single nucleotide variant.
Coding change: c.1952T>C on transcript NM_015272.5 (MANE Select); coding-DNA position 1952, T replaced by C.
Protein change: p.Leu651Pro; replaces leucine 651 with proline.
Molecular consequence: missense variant.
Genome position (GRCh38, 1-based): chr16:53,652,735, A>G on the plus strand (T>C on the coding strand, the complement: RPGRIP1L is on the minus strand). VCF-style: chr16-53652735-A-G. GRCh37 (hg19) VCF-style: chr16-53686647-A-G.
Other names: c.1952T>C (NM_015272.2, NM_015272.4); c.1952T>C, p.Leu651Pro (NM_001127897.4, NM_001308334.3, NM_001330538.2); short protein forms L651P.
Identifiers: ClinVar variation 1053831 (VCV001053831.9), dbSNP rs752598081, ClinGen allele CA8057667.
Genomic context (GRCh38, chr16:53,652,735, plus strand): 5'-TGCAAAAATAAGTCATTAACATGAACAAGATATTGAGAAGTGAAGTTATATTCGGGATGA[A>G]GGCCTCGCACTACGGGAGTTGTCTGTAGTTCAAAATCATAGAAAGCATAGGTACAGAAAG-3'
Protein context (NP_056087.2, residues 641-661): ELQTTPVVRG[Leu651Pro]HPEYNFTSQY